The following is an entry in ClinVar:

NM_001943.5(DSG2):c.2875_2876del (p.Gln959fs)

Genes: DSG2 (desmoglein 2; plus strand), DSG2-AS1 (DSG2 antisense RNA 1; minus strand). Cytogenetic location: 18q12.1.
Variant type: Microsatellite.
Coding change: c.2875_2876del on transcript NM_001943.5 (MANE Select); coding-DNA positions 2875 to 2876, 2 bases deleted (CA; older notation c.2875_2876delCA).
Protein change: p.Gln959fs; shifts the reading frame from glutamine 959.
Molecular consequence: frameshift variant.
Genome position (GRCh38, 1-based): chr18:31,546,261-31,546,262, CA deleted; deleting any 2 consecutive bases within chr18:31,546,259-31,546,262 gives the same sequence; the c. name uses the placement nearest the transcript's 3' end. VCF-style (leftmost placement, unchanged base first): chr18-31546258-CCA-C. GRCh37 (hg19) VCF-style: chr18-29126221-CCA-C.
Other names: c.2875_2876delCA (NM_001943.5); short protein forms Q959fs.
Identifiers: ClinVar variation 163222 (VCV000163222.18), dbSNP rs727502990, ClinGen allele CA021908.

ClinVar aggregate classification (germline): Conflicting classifications of pathogenicity. Review status: criteria provided, conflicting classifications (1 of 4 stars). 6 submissions from 6 submitters: Pathogenic (2); Uncertain significance (4). Last evaluated 2026-05-11.

Conditions:
Cardiovascular phenotype. Identifiers: MedGen CN230736.
Familial isolated arrhythmogenic right ventricular dysplasia. Identifiers: Orphanet 217656, MedGen C4274968, MONDO:0016342.
Arrhythmogenic right ventricular cardiomyopathy (ARVD). Also called: Arrhythmogenic cardiomyopathy; Arrhythmogenic Right Ventricular Cardiomyopathy (ARVC); Cardiomyopathy, ARVC; Arrhythmogenic right ventricular dysplasia. Identifiers: Orphanet 247, MedGen C0349788, MeSH D019571, MONDO:0016587. Disease mechanism: loss of function. Inheritance: Various modes of inheritance.
Cardiomyopathy (CMYO). Also called: Cardiomyopathies. Identifiers: Orphanet 167848, MedGen C0878544, MONDO:0004994, HP:0001638. Inheritance: Various modes of inheritance.
Arrhythmogenic right ventricular dysplasia 10. Also called: Arrhythmogenic right ventricular dysplasia/cardiomyopathy, type 10; Arrhythmogenic Right Ventricular Dysplasia/Cardiomyopathy10; ARRHYTHMOGENIC RIGHT VENTRICULAR DYSPLASIA, FAMILIAL, 10. Identifiers: MedGen C1857777, MONDO:0012434, OMIM 610193.

Submissions (6):

Women's Health and Genetics/Laboratory Corporation of America, LabCorp
Classification: Pathogenic for Familial isolated arrhythmogenic right ventricular dysplasia. Last evaluated: 2026-05-11. Review status: criteria provided, single submitter. Criteria: LabCorp Variant Classification Summary - May 2015. Collection method: clinical testing. Allele origin: germline.
Comment: Variant summary: DSG2 c.2875_2876delCA (p.Gln959GlufsX22) results in a premature termination codon in the last exon, predicted to cause a truncation of the encoded protein, however, nonsense mediated decay is not expected to occur. The variant was absent in 242844 control chromosomes. c.2875_2876delCA has been observed in individual(s) affected with Arrhythmogenic Right Ventricular Dysplasia/Cardiomyopathy. To our knowledge, no experimental evidence demonstrating an impact on protein function has been reported. At least one downstream variant has been classified as Pathogenic (c.3059_3062del, p.Glu1020fs) by our laboratory, providing evidence that the region altered by the variant is critical to protein function.ClinVar contains an entry for this variant (Variation ID: 163222). The following publication have been ascertained in the context of this evaluation (PMID: 35766183). Based on the evidence outlined above, the variant was classified as pathogenic.

Ambry Genetics
Classification: Uncertain significance for Cardiovascular phenotype. Last evaluated: 2025-10-08. Review status: criteria provided, single submitter. Criteria: Ambry Variant Classification Scheme 2023. Collection method: clinical testing. Allele origin: germline.
Comment: The c.2875_2876delCA variant, located in coding exon 15 of the DSG2 gene, results from a deletion of two nucleotides at nucleotide positions 2875 to 2876, causing a translational frameshift with a predicted alternate stop codon (p.Q959Efs*22). This alteration occurs at the 3' terminus of theDSG2 gene, is not expected to trigger nonsense-mediated mRNAdecay, and impacts the last 14% of the protein. The exact functional effect of this alteration is unknown. Based on the available evidence, the clinical significance of this variant remains unclear.

All of Us Research Program, National Institutes of Health
Classification: Uncertain significance for Arrhythmogenic right ventricular cardiomyopathy. Last evaluated: 2024-07-10. Review status: criteria provided, single submitter. Criteria: ACMG Guidelines, 2015. Collection method: clinical testing. Allele origin: germline. Inheritance: Autosomal dominant inheritance. Observed: 3 variant alleles, 3 heterozygotes.
Comment: Variant of Uncertain Significance due to insufficient evidence: This variant deletes 2 nucleotides in last exon 15 of the DSG2 gene, creating a frameshift and premature translation stop signal. This variant is expected to result in an absent or non-functional protein product. Computational splicing tools suggest that this variant may not impact RNA splicing. To our knowledge, functional assays have not been performed for this variant nor has this variant been reported in individuals affected with cardiovascular disorders in the literature. This variant is rare in the general population and has been identified in 0/277264 chromosomes by the Genome Aggregation Database (gnomAD). Available evidence is insufficient to determine the role of this variant in disease conclusively.

This study involves interpretation of variants in research participants for the purpose of population health screening. Participant phenotype was not available at the time of variant classification. Additional details can be found in publication PMID: 35346344, PMCID: PMC8962531

Color Diagnostics, LLC DBA Color Health
Classification: Uncertain significance for Cardiomyopathy. Last evaluated: 2024-06-13. Review status: criteria provided, single submitter. Criteria: ACMG Guidelines, 2015. Collection method: clinical testing. Allele origin: germline.
Comment: This variant deletes 2 nucleotides in exon 15 of the DSG2 gene, creating a frameshift and premature translation stop signal in the last exon. The mutant transcript is expected to escape nonsense-mediated decay and be expressed as a protein product containing altered C-terminal sequence. To our knowledge, functional studies have not been reported for this variant nor has it been reported in individuals affected with DSG2-related disorders in the literature. This variant has not been identified in the general population by the Genome Aggregation Database (gnomAD). The available evidence is insufficient to determine the role of this variant in disease conclusively. Therefore, this variant is classified as a Variant of Uncertain Significance.

Labcorp Genetics (formerly Invitae), Labcorp
Classification: Pathogenic for Arrhythmogenic right ventricular dysplasia 10. Last evaluated: 2023-12-21. Review status: criteria provided, single submitter. Criteria: Invitae Variant Classification Sherloc (09022015). Collection method: clinical testing. Allele origin: germline.
Comment: This sequence change creates a premature translational stop signal (p.Gln959Glufs*22) in the DSG2 gene. While this is not anticipated to result in nonsense mediated decay, it is expected to disrupt the last 160 amino acid(s) of the DSG2 protein. This variant is not present in population databases (gnomAD no frequency). This variant has not been reported in the literature in individuals affected with DSG2-related conditions. ClinVar contains an entry for this variant (Variation ID: 163222). This variant disrupts a region of the DSG2 protein in which other variant(s) (p.Glu1020Alafs*18) have been determined to be pathogenic (PMID: 20864495, 21397041, 23381804). This suggests that this is a clinically significant region of the protein, and that variants that disrupt it are likely to be disease-causing. For these reasons, this variant has been classified as Pathogenic.

Laboratory for Molecular Medicine, Mass General Brigham Personalized Medicine
Classification: Uncertain significance. Last evaluated: 2014-08-27. Review status: criteria provided, single submitter. Criteria: LMM Criteria. Collection method: clinical testing. Allele origin: germline. Observed: 1 variant allele.
Comment: Variant classified as Uncertain Significance - Favor Pathogenic. The Gln959fs va riant in DSG2 has not been previously reported in individuals with cardiomyopath y. Data from large population studies is insufficient to assess the frequency of this variant. This variant is predicted to cause a frameshift, which alters the protein?s amino acid sequence beginning at position 959 and leads to a prematur e termination codon 22 amino acids downstream. This termination codon occurs wit hin the last exon and is more likely to escape nonsense mediated decay (NMD) and result in a truncated protein. Variants suspected to result in a truncated prot ein have been reported in individuals with ARVC (Human Gene Mutation Database, L MM unpublished data). In summary, while there is some suspicion for a pathogenic role, the clinical significance of the Gln959fs variant is uncertain.

Literature cited by the submitters: PubMed 35766183 (cited by Women's Health and Genetics/Laboratory Corporation of America, LabCorp); PubMed 20864495 (cited by Labcorp Genetics (formerly Invitae), Labcorp); PubMed 21397041 (cited by Labcorp Genetics (formerly Invitae), Labcorp); PubMed 23381804 (cited by Labcorp Genetics (formerly Invitae), Labcorp).